The following is an entry in ClinVar:

ClinVar aggregate classification (germline): Uncertain significance (1 of 4 stars; one submission).

Submission:

GeneDx
Classification: Uncertain significance. Last evaluated: 2024-04-10. Review status: criteria provided, single submitter. Criteria: GeneDx Variant Classification Process June 2021. Collection method: clinical testing. Allele origin: germline. Affected: yes.
Comment: Not observed at significant frequency in large population cohorts (gnomAD); In silico analysis indicates that this missense variant does not alter protein structure/function; Has not been previously published as pathogenic or benign to our knowledge

NM_001134407.3(GRIN2A):c.255C>G (p.His85Gln)

Gene: GRIN2A (glutamate ionotropic receptor NMDA type subunit 2A; minus strand). Cytogenetic location: 16p13.2.
Variant type: single nucleotide variant.
Coding change: c.255C>G on transcript NM_001134407.3 (MANE Select); coding-DNA position 255, C replaced by G.
Protein change: p.His85Gln; replaces histidine 85 with glutamine.
Molecular consequence: missense variant.
Genome position (GRCh38, 1-based): chr16:10,180,157, G>C on the plus strand (C>G on the coding strand, the complement: GRIN2A is on the minus strand). VCF-style: chr16-10180157-G-C. GRCh37 (hg19) VCF-style: chr16-10274014-G-C.
Other names: c.255C>G, p.His85Gln (NM_000833.5, NM_001134408.2); short protein forms H85Q.
Identifiers: ClinVar variation 3371868 (VCV003371868.1).
Genomic context (GRCh38, chr16:10,180,157, plus strand): 5'-GTCCGTGTCGTCCCCAAACACGAGGCCGTGGATGCGTGCCCCGGACATGAGGTCGCACAC[G>C]TGCGTGATGAGGCTCTTGGGGTCGGTGCGGTTCATCAGCAGAGCTACCACGTTCACGTCC-3'
Protein context (NP_001127879.1, residues 75-95): NRTDPKSLIT[His85Gln]VCDLMSGARI